The following is an entry in ClinVar:

ClinVar aggregate classification (germline): Uncertain significance (1 of 4 stars; one submission).

Conditions:
Developmental and epileptic encephalopathy, 23 (DEE23). Also called: Epileptic encephalopathy, early infantile, 23. Identifiers: Orphanet 411986, MedGen C4014492, MONDO:0014371, OMIM 615859.

gnomAD v4.1: 1 of 1,573,576 alleles (0.000064%); highest among the groups gnomAD compares: Non-Finnish European, 0.000087%; no homozygotes.

Submission:

Labcorp Genetics (formerly Invitae), Labcorp
Classification: Uncertain significance for Developmental and epileptic encephalopathy, 23. Last evaluated: 2022-09-19. Review status: criteria provided, single submitter. Criteria: Invitae Variant Classification Sherloc (09022015). Collection method: clinical testing. Allele origin: germline.
Comment: In summary, the available evidence is currently insufficient to determine the role of this variant in disease. Therefore, it has been classified as a Variant of Uncertain Significance. Algorithms developed to predict the effect of sequence changes on RNA splicing suggest that this variant is not likely to affect RNA splicing. ClinVar contains an entry for this variant (Variation ID: 1521363). This variant has not been reported in the literature in individuals affected with DOCK7-related conditions. This variant is not present in population databases (gnomAD no frequency). This sequence change affects codon 561 of the DOCK7 mRNA. It is a 'silent' change, meaning that it does not change the encoded amino acid sequence of the DOCK7 protein.

NM_001367561.1(DOCK7):c.1683A>G (p.Arg561=)

Gene: DOCK7 (dedicator of cytokinesis 7; minus strand). Cytogenetic location: 1p31.3.
Variant type: single nucleotide variant.
Coding change: c.1683A>G on transcript NM_001367561.1 (MANE Select); coding-DNA position 1683, A replaced by G.
Protein change: p.Arg561=; no amino-acid change (arginine 561 retained).
Molecular consequence: synonymous variant.
Genome position (GRCh38, 1-based): chr1:62,586,624, T>C on the plus strand (A>G on the coding strand, the complement: DOCK7 is on the minus strand). VCF-style: chr1-62586624-T-C. GRCh37 (hg19) VCF-style: chr1-63052295-T-C.
Other names: c.1683A>G, p.Arg561= (NM_001271999.2, NM_001272000.2, NM_001272001.2 and 3 more transcripts).
Identifiers: ClinVar variation 1521363 (VCV001521363.8), dbSNP rs2149499256, ClinGen allele CA418017429.